The following is an entry in ClinVar:

ClinVar aggregate classification (germline): Pathogenic (1 of 4 stars; one submission).

Submission:

Labcorp Genetics (formerly Invitae), Labcorp
Classification: Pathogenic. Last evaluated: 2025-09-01. Review status: criteria provided, single submitter. Criteria: Invitae Variant Classification Sherloc (09022015). Collection method: clinical testing. Allele origin: germline.
Comment: This sequence change creates a premature translational stop signal (p.Gln190*) in the MNX1 gene. It is expected to result in an absent or disrupted protein product. Loss-of-function variants in MNX1 are known to be pathogenic (PMID: 10631160, 10749657, 16254195, 24095820). This variant is not present in population databases (gnomAD no frequency). This variant has not been reported in the literature in individuals affected with MNX1-related conditions. For these reasons, this variant has been classified as Pathogenic.

Literature cited by the submitters: PubMed 10631160; PubMed 10749657; PubMed 16254195; PubMed 24095820.

NM_005515.4(MNX1):c.568C>T (p.Gln190Ter)

Gene: MNX1 (motor neuron and pancreas homeobox 1; minus strand). Cytogenetic location: 7q36.3.
Variant type: single nucleotide variant.
Coding change: c.568C>T on transcript NM_005515.4 (MANE Select); coding-DNA position 568, C replaced by T.
Protein change: p.Gln190Ter; replaces glutamine 190 with a stop codon.
Molecular consequence: nonsense.
Genome position (GRCh38, 1-based): chr7:157,009,783, G>A on the plus strand (C>T on the coding strand, the complement: MNX1 is on the minus strand). VCF-style: chr7-157009783-G-A. GRCh37 (hg19) VCF-style: chr7-156802477-G-A.
Other names: short protein forms Q190*.
Identifiers: ClinVar variation 4726455 (VCV004726455.1).